The following is an entry in ClinVar:

NC_000012.12:g.57582602del

Gene: KIF5A (kinesin family member 5A; plus strand). Cytogenetic location: 12q13.3.
Variant type: Deletion.
Genome position: GRCh38 VCF-style: chr12-57582600-AG-A. GRCh37 (hg19) VCF-style: chr12-57976383-AG-A.
Identifiers: ClinVar variation 935835 (VCV000935835.11), dbSNP rs1882639725, ClinGen allele CA1139662753.

ClinVar aggregate classification (germline): Uncertain significance (1 of 4 stars; one submission).

Conditions:
Spastic paraplegia. Identifiers: MedGen C0037772, HP:0001258.

Submission:

Labcorp Genetics (formerly Invitae), Labcorp
Classification: Uncertain significance for Spastic paraplegia. Last evaluated: 2019-06-20. Review status: criteria provided, single submitter. Criteria: Invitae Variant Classification Sherloc (09022015). Collection method: clinical testing. Allele origin: germline.
Comment: In summary, the available evidence is currently insufficient to determine the role of this variant in disease. Therefore, it has been classified as a Variant of Uncertain Significance. This variant results in an extension of the KIF5A protein. Other variant(s) that result in a similarly extended protein product (p.Asn999fs) have been observed in an individual with KIF5A-related conditions (PMID: 29566793). This suggests that these extensions may be clinically significant. This sequence change results in a frameshift in the KIF5A gene (p.Gly998Glufs*50). While this is not anticipated to result in nonsense mediated decay, it is expected to disrupt the last 35 amino acids of the KIF5A protein and extend the protein by an additional 14 amino acids. This variant is not present in population databases (ExAC no frequency). This variant has not been reported in the literature in individuals with KIF5A-related conditions. Algorithms developed to predict the effect of sequence changes on RNA splicing suggest that this variant may disrupt the consensus splice site, but this prediction has not been confirmed by published transcriptional studies.

Literature cited by the submitters: PubMed 29566793.